The following is an entry in ClinVar:

ClinVar aggregate classification (germline): Uncertain significance (1 of 4 stars; one submission).

Conditions:
KIZ-related disorder. Also called: KIZ-related condition.

gnomAD v4.1: 38 of 1,494,636 alleles (0.0025%); highest among the groups gnomAD compares: African/African-American, 0.049%; no homozygotes.

Submission:

PreventionGenetics, part of Exact Sciences
Classification: Uncertain significance for KIZ-related condition. Last evaluated: 2026-06-01. Review status: criteria provided, single submitter. Criteria: ACMG Guidelines, 2015. Collection method: clinical testing. Allele origin: germline.
Comment: The KIZ c.44C>T variant is predicted to result in the amino acid substitution p.Pro15Leu. To our knowledge, this variant has not been reported in the literature. This variant is present in 0.038% of alleles in individuals of African descent in gnomAD. At this time, the clinical significance of this variant is uncertain due to the absence of conclusive functional and genetic evidence.

NM_001276389.2(KIZ):c.44C>T (p.Pro15Leu)

Genes: KIZ (kizuna centrosomal protein; plus strand), LOC130065507 (ATAC-STARR-seq lymphoblastoid silent region 12713; plus strand). Cytogenetic location: 20p11.23.
Variant type: single nucleotide variant.
Coding change: c.44C>T on transcript NM_001276389.2; coding-DNA position 44, C replaced by T.
Protein change: p.Pro15Leu; replaces proline 15 with leucine.
Molecular consequence: missense variant.
Genome position (GRCh38, 1-based): chr20:21,126,080, C>T. VCF-style: chr20-21126080-C-T. GRCh37 (hg19) VCF-style: chr20-21106721-C-T.
Other names: short protein forms P15L.
Identifiers: ClinVar variation 4983973 (VCV004983973.1).